The following is an entry in ClinVar:

NM_020717.5(SHROOM4):c.439C>T (p.His147Tyr)

Gene: SHROOM4 (shroom family member 4; minus strand). Cytogenetic location: Xp11.22.
Variant type: single nucleotide variant.
Coding change: c.439C>T on transcript NM_020717.5 (MANE Select); coding-DNA position 439, C replaced by T.
Protein change: p.His147Tyr; replaces histidine 147 with tyrosine.
Molecular consequence: missense variant. On other transcripts: non-coding transcript variant (4).
Genome position (GRCh38, 1-based): chrX:50,635,634, G>A on the plus strand (C>T on the coding strand, the complement: SHROOM4 is on the minus strand). VCF-style: chrX-50635634-G-A. GRCh37 (hg19) VCF-style: chrX-50378634-G-A.
Other names: short protein forms H147Y.
Identifiers: ClinVar variation 130313 (VCV000130313.15), dbSNP rs111940781, ClinGen allele CA155204.
Genomic context (GRCh38, chrX:50,635,634, plus strand): 5'-GGCCTGGTTGCTCCAGGCTCTCCATGCTGCCAATGGAGCTGCTTTTCTCGGTGCTGCAAT[G>A]CCGGGAGAGTGGACACCACTGCACACACACGTCACTGTAAGACACAGGGCATACTGGTTA-3'
Protein context (NP_065768.2, residues 137-157): VCVQWCPLSR[His147Tyr]CSTEKSSSIG

ClinVar aggregate classification (germline): Benign. Review status: criteria provided, multiple submitters, no conflicts (2 of 4 stars). 4 submissions from 4 submitters: Benign (3). 1 of the submissions does not count toward it. Last evaluated 2019-12-31.

Allele frequency attached by ClinVar (database versions not stated): gnomAD exomes 0.00205 and 0.00506; ExAC 0.00694; gnomAD 0.01598 and 0.01702; TOPMed 0.01884; 1000 Genomes Project 30x 0.01998; 1000 Genomes Project 0.02093; ESP Exome Variant Server 0.02111.
gnomAD v4.1: 4,140 of 1,207,132 alleles (0.34%); highest among the groups gnomAD compares: African/African-American, 5.8%; 92 homozygotes.

Submissions (4):

Labcorp Genetics (formerly Invitae), Labcorp
Classification: Benign. Last evaluated: 2019-12-31. Review status: criteria provided, single submitter. Criteria: Invitae Variant Classification Sherloc (09022015). Collection method: clinical testing. Allele origin: germline.

Ambry Genetics
Classification: Benign. Last evaluated: 2015-10-12. Review status: criteria provided, single submitter. Criteria: Ambry Variant Classification Scheme 2023. Collection method: clinical testing. Allele origin: germline.

Breakthrough Genomics
Classification: Benign. Review status: criteria provided, single submitter. Criteria: ACMG Guidelines, 2015. Collection method: not provided. Allele origin: germline. Inheritance: Unknown mechanism. Affected: yes.

Genetic Services Laboratory, University of Chicago
Classification: Likely benign for AllHighlyPenetrant. Review status: no assertion criteria provided. Collection method: clinical testing. Allele origin: germline. Inheritance: X-linked inheritance. Not counted in ClinVar's aggregate classification.
Comment: Likely benign based on allele frequency in 1000 Genomes Project or ESP global frequency and its presence in a patient with a rare or unrelated disease phenotype. NOT Sanger confirmed.